The following is an entry in ClinVar:

ClinVar aggregate classification (germline): Uncertain significance (1 of 4 stars; one submission).

Conditions:
TP63-Related Spectrum Disorders.

Allele frequency attached by ClinVar (database versions not stated): gnomAD exomes below 0.00001; gnomAD 0.00001; TOPMed 0.00002.
gnomAD v4.1: 3 of 1,614,046 alleles (0.00019%); highest among the groups gnomAD compares: African/African-American, 0.0027%; no homozygotes.

Submission:

Labcorp Genetics (formerly Invitae), Labcorp
Classification: Uncertain significance. Last evaluated: 2024-03-28. Review status: criteria provided, single submitter. Criteria: Invitae Variant Classification Sherloc (09022015). Collection method: clinical testing. Allele origin: germline.
Comment: This sequence change replaces glutamine, which is neutral and polar, with glutamic acid, which is acidic and polar, at codon 425 of the TP63 protein (p.Gln425Glu). This variant is present in population databases (no rsID available, gnomAD 0.01%). This variant has not been reported in the literature in individuals affected with TP63-related conditions. ClinVar contains an entry for this variant (Variation ID: 2061602). Advanced modeling of protein sequence and biophysical properties (such as structural, functional, and spatial information, amino acid conservation, physicochemical variation, residue mobility, and thermodynamic stability) has been performed at Invitae for this missense variant, however the output from this modeling did not meet the statistical confidence thresholds required to predict the impact of this variant on TP63 protein function. In summary, the available evidence is currently insufficient to determine the role of this variant in disease. Therefore, it has been classified as a Variant of Uncertain Significance.

NM_003722.5(TP63):c.1273C>G (p.Gln425Glu)

Gene: TP63 (tumor protein p63; plus strand). Cytogenetic location: 3q28.
Variant type: single nucleotide variant.
Coding change: c.1273C>G on transcript NM_003722.5 (MANE Select); coding-DNA position 1273, C replaced by G.
Protein change: p.Gln425Glu; replaces glutamine 425 with glutamic acid.
Molecular consequence: missense variant.
Genome position (GRCh38, 1-based): chr3:189,872,919, C>G. VCF-style: chr3-189872919-C-G. GRCh37 (hg19) VCF-style: chr3-189590708-C-G.
Other names: c.1273C>G, p.Gln425Glu (NM_001114978.2, NM_001114979.2, NM_001329144.2); c.991C>G, p.Gln331Glu (NM_001114980.2, NM_001114981.2, NM_001114982.2 and 1 more transcripts); c.736C>G, p.Gln246Glu (NM_001329146.2); c.1261C>G, p.Gln421Glu (NM_001329148.2); c.979C>G, p.Gln327Glu (NM_001329149.2); c.724C>G, p.Gln242Glu (NM_001329150.2); c.1267C>G, p.Gln423Glu (NM_001329964.2); short protein forms Q242E, Q327E, Q246E, Q331E, Q425E, Q421E, Q423E.
Identifiers: ClinVar variation 2061602 (VCV002061602.3), dbSNP rs1458504566, ClinGen allele CA355755919.
Genomic context (GRCh38, chr3:189,872,919, plus strand): 5'-GTGAGGGGCCGTGAGACTTATGAAATGCTGTTGAAGATCAAAGAGTCCCTGGAACTCATG[C>G]AGTACCTTCCTCAGCACACAATTGAAACGTACAGGCAACAGCAACAGCAGCAGCACCAGC-3'
Protein context (NP_003713.3, residues 415-435): LKIKESLELM[Gln425Glu]YLPQHTIETY